The following is an entry in ClinVar:

ClinVar aggregate classification (germline): Uncertain significance (1 of 4 stars; one submission).

Allele frequency attached by ClinVar (database versions not stated): gnomAD exomes below 0.00001; TOPMed below 0.00001.
gnomAD v4.1: 1 of 1,614,156 alleles (0.000062%); highest among the groups gnomAD compares: Non-Finnish European, 0.000085%; no homozygotes.

Submission:

GeneDx
Classification: Uncertain significance. Last evaluated: 2023-01-18. Review status: criteria provided, single submitter. Criteria: GeneDx Variant Classification Process June 2021. Collection method: clinical testing. Allele origin: germline.
Comment: Not observed at significant frequency in large population cohorts (gnomAD); In silico analysis supports that this missense variant has a deleterious effect on protein structure/function; Has not been previously published as pathogenic or benign to our knowledge

NM_018979.4(WNK1):c.5489G>A (p.Gly1830Glu)

Gene: WNK1 (WNK lysine deficient protein kinase 1; plus strand). Cytogenetic location: 12p13.33.
Variant type: single nucleotide variant.
Coding change: c.5489G>A on transcript NM_018979.4 (MANE Select); coding-DNA position 5489, G replaced by A.
Protein change: p.Gly1830Glu; replaces glycine 1830 with glutamic acid.
Molecular consequence: missense variant.
Genome position (GRCh38, 1-based): chr12:890,493, G>A. VCF-style: chr12-890493-G-A. GRCh37 (hg19) VCF-style: chr12-999659-G-A.
Other names: c.6269G>A, p.Gly2090Glu (NM_001184985.2); c.4748G>A, p.Gly1583Glu (NM_014823.3); c.6245G>A, p.Gly2082Glu (NM_213655.5); short protein forms G1583E, G1830E, G2082E, G2090E.
Identifiers: ClinVar variation 1800776 (VCV001800776.2), dbSNP rs1954117568, ClinGen allele CA383333437.
Genomic context (GRCh38, chr12:890,493, plus strand): 5'-TGTCTGTGTGTGTTTTACAGCCTGTGTCCATGGCGGCTCCAACAGCAATCACAGAAGCAG[G>A]AACACAGCCTCAGAAGGGTGGTGAGAAACATCCTTCCTCCTTTTATATTACTAATTCCAG-3'
Protein context (NP_061852.3, residues 1820-1840): MAAPTAITEA[Gly1830Glu]TQPQKGVSQV